The following is an entry in ClinVar:

NM_001365276.2(TNXB):c.7361T>C (p.Val2454Ala)

Gene: TNXB (tenascin XB; minus strand). Cytogenetic location: 6p21.33.
Variant type: single nucleotide variant.
Coding change: c.7361T>C on transcript NM_001365276.2 (MANE Select); coding-DNA position 7361, T replaced by C.
Protein change: p.Val2454Ala; replaces valine 2454 with alanine.
Molecular consequence: missense variant.
Genome position (GRCh38, 1-based): chr6:32,061,528, A>G on the plus strand (T>C on the coding strand, the complement: TNXB is on the minus strand). VCF-style: chr6-32061528-A-G. GRCh37 (hg19) VCF-style: chr6-32029305-A-G.
Other names: p.Val2454Ala; c.7361T>C, p.Val2454Ala (NM_019105.8); short protein forms V2454A.
Identifiers: ClinVar variation 1191504 (VCV001191504.7), dbSNP rs200659611, ClinGen allele CA3734176.
Genomic context (GRCh38, chr6:32,061,528, plus strand): 5'-TTGCGCCCAGGCTCCAGGCCCCCCACGGTGACCTCGCTCTCCTCGCCCCCAACACGCACC[A>G]CCTGGGGCCGCCCGTCCCTGTCCTTGTACTGCACGGTGAAGGAGTCGAAGCGGCCCTGGG-3'
Protein context (NP_001352205.1, residues 2444-2464): QYKDRDGRPQ[Val2454Ala]VRVGGEESEV

ClinVar aggregate classification (germline): Benign/Likely benign. Review status: criteria provided, multiple submitters, no conflicts (2 of 4 stars). 5 submissions from 5 submitters: Benign (1); Likely benign (4). Last evaluated 2025-07-29.

Conditions:
Cardiovascular phenotype. Identifiers: MedGen CN230736.

Allele frequency attached by ClinVar (database versions not stated): gnomAD exomes 0.00066; ExAC 0.00105.

Submissions (5):

Women's Health and Genetics/Laboratory Corporation of America, LabCorp
Classification: Likely benign. Last evaluated: 2025-07-29. Review status: criteria provided, single submitter. Criteria: LabCorp Variant Classification Summary - May 2015. Collection method: clinical testing. Allele origin: germline.
Comment: Variant summary: TNXB c.7361T>C (p.Val2454Ala) results in a non-conservative amino acid change in the encoded protein sequence. Algorithms developed to predict the effect of missense changes on protein structure and function are either unavailable or do not agree on the potential impact of this missense change. The variant allele was found at a frequency of 0.0013 in 1611748 control chromosomes, predominantly at a frequency of 0.024 within the African or African-American subpopulation in the gnomAD database, including 34 homozygotes. The observed variant frequency within African or African-American control individuals in the gnomAD database is approximately 21.47 fold of the estimated maximal expected allele frequency for a pathogenic variant in TNXB causing Ehlers-Danlos syndrome due to tenascin-X deficiency phenotype (0.0011). To our knowledge, no occurrence of c.7361T>C in individuals affected with Ehlers-Danlos syndrome due to tenascin-X deficiency and no experimental evidence demonstrating its impact on protein function have been reported. ClinVar contains an entry for this variant (Variation ID: 1191504). Based on the evidence outlined above, the variant was classified as likely benign.

Mayo Clinic Laboratories, Mayo Clinic
Classification: Benign. Last evaluated: 2023-04-26. Review status: criteria provided, single submitter. Criteria: ACMG Guidelines, 2015. Collection method: clinical testing. Allele origin: germline. Observed: 8 variant alleles.
Comment: BS1, BS2, BP4

Ambry Genetics
Classification: Likely benign for Cardiovascular phenotype. Last evaluated: 2022-11-02. Review status: criteria provided, single submitter. Criteria: Ambry Variant Classification Scheme 2023. Collection method: clinical testing. Allele origin: germline.

GeneDx
Classification: Likely benign. Last evaluated: 2020-12-30. Review status: criteria provided, single submitter. Criteria: GeneDx Variant Classification Process June 2021. Collection method: clinical testing. Allele origin: germline. Affected: yes.

Breakthrough Genomics
Classification: Likely benign. Review status: criteria provided, single submitter. Criteria: ACMG Guidelines, 2015. Collection method: not provided. Allele origin: germline. Inheritance: Autosomal recessive inheritance. Affected: yes.